The following is an entry in ClinVar:

ClinVar aggregate classification (germline): Uncertain significance. Review status: criteria provided, multiple submitters, no conflicts (2 of 4 stars). 3 submissions from 3 submitters: Uncertain significance (3). Last evaluated 2026-04-11.

Conditions:
ELMOD3-related disorder. Also called: ELMOD3-related condition.

Allele frequency attached by ClinVar (database versions not stated): gnomAD exomes 0.00001; ExAC 0.00002; TOPMed 0.00005; gnomAD 0.00006.
gnomAD v4.1: 13 of 1,614,086 alleles (0.00081%); highest among the groups gnomAD compares: African/African-American, 0.017%; no homozygotes.

Submissions (3):

PreventionGenetics, part of Exact Sciences
Classification: Uncertain significance for ELMOD3-related condition. Last evaluated: 2026-04-11. Review status: criteria provided, single submitter. Criteria: ACMG Guidelines, 2015. Collection method: clinical testing. Allele origin: germline.
Comment: The ELMOD3 c.880C>T variant is predicted to result in the amino acid substitution p.His294Tyr. To our knowledge, this variant has not been reported in the literature. This variant is reported in 0.020% of alleles in individuals of African descent in gnomAD. At this time, the clinical significance of this variant is uncertain due to the absence of conclusive functional and genetic evidence.

Ambry Genetics
Classification: Uncertain significance. Last evaluated: 2024-03-01. Review status: criteria provided, single submitter. Criteria: Ambry Variant Classification Scheme 2023. Collection method: clinical testing. Allele origin: germline.

Labcorp Genetics (formerly Invitae), Labcorp
Classification: Uncertain significance. Last evaluated: 2023-04-01. Review status: criteria provided, single submitter. Criteria: Invitae Variant Classification Sherloc (09022015). Collection method: clinical testing. Allele origin: germline.
Comment: In summary, the available evidence is currently insufficient to determine the role of this variant in disease. Therefore, it has been classified as a Variant of Uncertain Significance. Advanced modeling of protein sequence and biophysical properties (such as structural, functional, and spatial information, amino acid conservation, physicochemical variation, residue mobility, and thermodynamic stability) performed at Invitae indicates that this missense variant is not expected to disrupt ELMOD3 protein function. This sequence change replaces histidine, which is basic and polar, with tyrosine, which is neutral and polar, at codon 294 of the ELMOD3 protein (p.His294Tyr). This variant has not been reported in the literature in individuals affected with ELMOD3-related conditions. This variant is present in population databases (rs763535236, gnomAD 0.02%).

NM_001135022.2(ELMOD3):c.880C>T (p.His294Tyr)

Gene: ELMOD3 (ELMO domain containing 3; plus strand). Cytogenetic location: 2p11.2.
Variant type: single nucleotide variant.
Coding change: c.880C>T on transcript NM_001135022.2 (MANE Select); coding-DNA position 880, C replaced by T.
Protein change: p.His294Tyr; replaces histidine 294 with tyrosine.
Molecular consequence: missense variant. On other transcripts: non-coding transcript variant (3).
Genome position (GRCh38, 1-based): chr2:85,390,202, C>T. VCF-style: chr2-85390202-C-T. GRCh37 (hg19) VCF-style: chr2-85617325-C-T.
Other names: c.880C>T (NM_001135021.1, NM_032213.4); c.880C>T, p.His294Tyr (NM_001135021.2, NM_001135023.2, NM_001329791.2 and 3 more transcripts); short protein forms H294Y.
Identifiers: ClinVar variation 2704424 (VCV002704424.5), dbSNP rs763535236, ClinGen allele CA1740533.